The following is an entry in ClinVar:

ClinVar aggregate classification (germline): Likely benign (1 of 4 stars; one submission).

gnomAD v4.1: 3 of 1,614,132 alleles (0.00019%); highest among the groups gnomAD compares: African/African-American, 0.0027%; no homozygotes.

Submission:

CeGaT Center for Human Genetics Tuebingen
Classification: Likely benign. Last evaluated: 2024-08-01. Review status: criteria provided, single submitter. Criteria: CeGaT Center For Human Genetics Tuebingen Variant Classification Criteria Version 2. Collection method: clinical testing. Allele origin: germline. Affected: yes. Observed: 1 variant allele.
Comment: PIGS: BP4, BP7

NM_033198.4(PIGS):c.135G>C (p.Ser45=)

Gene: PIGS (phosphatidylinositol glycan anchor biosynthesis class S; minus strand). Cytogenetic location: 17q11.2.
Variant type: single nucleotide variant.
Coding change: c.135G>C on transcript NM_033198.4 (MANE Select); coding-DNA position 135, G replaced by C.
Protein change: p.Ser45=; no amino-acid change (serine 45 retained).
Molecular consequence: synonymous variant.
Genome position (GRCh38, 1-based): chr17:28,571,088, C>G on the plus strand (G>C on the coding strand, the complement: PIGS is on the minus strand). VCF-style: chr17-28571088-C-G. GRCh37 (hg19) VCF-style: chr17-26898106-C-G.
Identifiers: ClinVar variation 3341846 (VCV003341846.16).